The following is an entry in ClinVar:

ClinVar aggregate classification (germline): Benign. Review status: criteria provided, multiple submitters, no conflicts (2 of 4 stars). 5 submissions from 5 submitters: Benign (4). 1 of the submissions does not count toward it. Last evaluated 2026-02-01.

Conditions:
ENO3-related disorder. Also called: ENO3-related condition.
Glycogen storage disease due to muscle beta-enolase deficiency (GSD13). Also called: ENOLASE 3 DEFICIENCY; ENOLASE-BETA DEFICIENCY; GSD XIII; Glycogen Storage Disease Type XIII. Identifiers: Orphanet 99849, MedGen C2752027, MONDO:0013046, OMIM 612932.

Allele frequency attached by ClinVar (database versions not stated): ESP Exome Variant Server 0.00008; gnomAD exomes 0.00058 and 0.00216; gnomAD 0.00076 and 0.00125; TOPMed 0.00104; ExAC 0.00195; 1000 Genomes Project 0.00839; 1000 Genomes Project 30x 0.00890.
gnomAD v4.1: 1,147 of 1,614,064 alleles (0.071%); highest among the groups gnomAD compares: East Asian, 1.8%; 15 homozygotes.

Submissions (5):

Labcorp Genetics (formerly Invitae), Labcorp
Classification: Benign for Glycogen storage disease due to muscle beta-enolase deficiency. Last evaluated: 2026-02-01. Review status: criteria provided, single submitter. Criteria: Invitae Variant Classification Sherloc (09022015). Collection method: clinical testing. Allele origin: germline.

Illumina Laboratory Services, Illumina
Classification: Benign for Glycogen storage disease due to muscle beta-enolase deficiency. Last evaluated: 2018-01-13. Review status: criteria provided, single submitter. Criteria: ICSL Variant Classification Criteria 13 December 2019. Collection method: clinical testing. Allele origin: germline.
Comment: This variant was observed in the ICSL laboratory as part of a predisposition screen in an ostensibly healthy population. It had not been previously curated by ICSL or reported in the Human Gene Mutation Database (HGMD: prior to June 1st, 2018), and was therefore a candidate for classification through an automated scoring system. Utilizing variant allele frequency, disease prevalence and penetrance estimates, and inheritance mode, an automated score was calculated to assess if this variant is too frequent to cause the disease. Based on the score and internal cut-off values, a variant classified as benign is not then subjected to further curation. The score for this variant resulted in a classification of benign for this disease.

Mayo Clinic Laboratories, Mayo Clinic
Classification: Benign. Last evaluated: 2017-12-04. Review status: criteria provided, single submitter. Criteria: ACMG Guidelines, 2015. Collection method: clinical testing. Allele origin: germline. Observed: 2 variant alleles.

GeneDx
Classification: Benign. Last evaluated: 2016-05-24. Review status: criteria provided, single submitter. Criteria: GeneDx Variant Classification (06012015). Collection method: clinical testing. Allele origin: germline. Affected: yes.
Comment: This variant is considered likely benign or benign based on one or more of the following criteria: it is a conservative change, it occurs at a poorly conserved position in the protein, it is predicted to be benign by multiple in silico algorithms, and/or has population frequency not consistent with disease.

PreventionGenetics, part of Exact Sciences
Classification: Likely benign for ENO3-related condition. Last evaluated: 2019-03-06. Review status: no assertion criteria provided. Collection method: clinical testing. Allele origin: germline. Not counted in ClinVar's aggregate classification.
Comment: This variant is classified as likely benign based on ACMG/AMP sequence variant interpretation guidelines (Richards et al. 2015 PMID: 25741868, with internal and published modifications).

NM_053013.4(ENO3):c.226G>C (p.Ala76Pro)

Gene: ENO3 (enolase 3; plus strand). Cytogenetic location: 17p13.2.
Variant type: single nucleotide variant.
Coding change: c.226G>C on transcript NM_053013.4 (MANE Select); coding-DNA position 226, G replaced by C.
Protein change: p.Ala76Pro; replaces alanine 76 with proline.
Molecular consequence: missense variant. On other transcripts: intron variant (1).
Genome position (GRCh38, 1-based): chr17:4,953,095, G>C. VCF-style: chr17-4953095-G-C. GRCh37 (hg19) VCF-style: chr17-4856390-G-C.
Other names: p.Ala76Pro; c.226G>C, p.Ala76Pro (NM_001976.5); c.181+205G>C (NM_001193503.2); short protein forms A76P.
Identifiers: ClinVar variation 324137 (VCV000324137.18), dbSNP rs143945974, ClinGen allele CA8316202.